The following is an entry in ClinVar:

ClinVar aggregate classification (germline): Pathogenic/Likely pathogenic. Review status: criteria provided, multiple submitters, no conflicts (2 of 4 stars). 3 submissions from 3 submitters: Pathogenic (2); Likely pathogenic (1). Last evaluated 2026-09-24.

Conditions:
Primary ciliary dyskinesia 11. Also called: CILIARY DYSKINESIA, PRIMARY, 11, WITHOUT SITUS INVERSUS. Identifiers: Orphanet 244, MedGen C2675229, MONDO:0012978, OMIM 612649.
Primary ciliary dyskinesia. Also called: Ciliary dyskinesia. Identifiers: Orphanet 244, MedGen C0008780, MONDO:0016575, HP:0012265.

Submissions (3):

GeneDx
Classification: Likely pathogenic. Last evaluated: 2026-09-24. Review status: criteria provided, single submitter. Criteria: GeneDx Variant Classification Process June 2021. Collection method: clinical testing. Allele origin: germline.
Comment: Canonical splice site variant predicted to result in an in-frame loss of the adjacent exon in a gene for which loss of function is a known mechanism of disease; This variant is associated with the following publications: (PMID: 23798057, 22448264)

Labcorp Genetics (formerly Invitae), Labcorp
Classification: Pathogenic for Primary ciliary dyskinesia. Last evaluated: 2025-12-10. Review status: criteria provided, single submitter. Criteria: Invitae Variant Classification Sherloc (09022015). Collection method: clinical testing. Allele origin: germline.
Comment: This sequence change affects a splice site in intron 3 of the RSPH4A gene. It is expected to disrupt RNA splicing. Variants that disrupt the donor or acceptor splice site typically lead to a loss of protein function (PMID: 16199547), and loss-of-function variants in RSPH4A are known to be pathogenic (PMID: 19200523). This variant is present in population databases (rs768986129, gnomAD 0.004%). Disruption of this splice site has been observed in individual(s) with primary ciliary dyskinesia (PMID: 22448264, 23798057; internal data). ClinVar contains an entry for this variant (Variation ID: 441117). Algorithms developed to predict the effect of sequence changes on RNA splicing suggest that this variant may disrupt the consensus splice site. For these reasons, this variant has been classified as Pathogenic.

Fulgent Genetics
Classification: Pathogenic for Primary ciliary dyskinesia 11. Last evaluated: 2021-10-26. Review status: criteria provided, single submitter. Criteria: ACMG Guidelines, 2015. Collection method: clinical testing. Allele origin: unknown.

Literature cited by the submitters: PubMed 16199547 (cited by Labcorp Genetics (formerly Invitae), Labcorp); PubMed 19200523 (cited by Labcorp Genetics (formerly Invitae), Labcorp); PubMed 22448264 (cited by Labcorp Genetics (formerly Invitae), Labcorp); PubMed 23798057 (cited by Labcorp Genetics (formerly Invitae), Labcorp).

NM_001010892.3(RSPH4A):c.1662+2_1662+5del

Gene: RSPH4A (radial spoke head component 4A; plus strand). Cytogenetic location: 6q22.1.
Variant type: Deletion.
Coding change: c.1662+2_1662+5del on transcript NM_001010892.3 (MANE Select); the canonical splice donor site of the intron after coding-DNA position 1662 through 5 bases into the intron after coding-DNA position 1662, 4 bases deleted (TAGG; older notation c.1662+2_1662+5delTAGG).
Molecular consequence: splice donor variant.
Genome position (GRCh38, 1-based): chr6:116,628,371-116,628,374, TAGG deleted; deleting any 4 consecutive bases within chr6:116,628,368-116,628,374 gives the same sequence; the c. name uses the placement nearest the transcript's 3' end. VCF-style (leftmost placement, unchanged base first): chr6-116628367-CAGGT-C. GRCh37 (hg19) VCF-style: chr6-116949530-CAGGT-C.
Other names: c.1662+2_1662+5delTAGG (NM_001010892.2); c.1662+2_1662+5del (NM_001161664.2).
Identifiers: ClinVar variation 441117 (VCV000441117.17), dbSNP rs768986129, ClinGen allele CA3970990.